The following is an entry in ClinVar:

NM_002691.4(POLD1):c.1882C>T (p.Gln628Ter)

Gene: POLD1 (DNA polymerase delta 1, catalytic subunit; plus strand). Cytogenetic location: 19q13.33.
Variant type: single nucleotide variant.
Coding change: c.1882C>T on transcript NM_002691.4 (MANE Select); coding-DNA position 1882, C replaced by T.
Protein change: p.Gln628Ter; replaces glutamine 628 with a stop codon.
Molecular consequence: nonsense. On other transcripts: non-coding transcript variant (1).
Genome position (GRCh38, 1-based): chr19:50,408,891, C>T. VCF-style: chr19-50408891-C-T. GRCh37 (hg19) VCF-style: chr19-50912148-C-T.
Other names: c.1882C>T, p.Gln628Ter (NM_001256849.1); c.1960C>T, p.Gln654Ter (NM_001308632.1); short protein forms Q628*, Q654*.
Identifiers: ClinVar variation 951042 (VCV000951042.9), dbSNP rs1297363872, ClinGen allele CA406982150.

ClinVar aggregate classification (germline): Uncertain significance (1 of 4 stars; one submission).

Conditions:
POLD1-related polyposis and colorectal cancer syndrome (CRCS10). Also called: Colorectal cancer 10; COLORECTAL CANCER, SUSCEPTIBILITY TO, ON CHROMOSOME 19q; Colorectal cancer, susceptibility to, 10. Identifiers: Orphanet 220460, MedGen C2675481, MONDO:0012953, OMIM 612591.

Allele frequency attached by ClinVar (database versions not stated): gnomAD exomes below 0.00001.

Submission:

Labcorp Genetics (formerly Invitae), Labcorp
Classification: Uncertain significance for POLD1-related polyposis and colorectal cancer syndrome. Last evaluated: 2023-09-05. Review status: criteria provided, single submitter. Criteria: Invitae Variant Classification Sherloc (09022015). Collection method: clinical testing. Allele origin: germline.
Comment: This sequence change creates a premature translational stop signal (p.Gln628*) in the POLD1 gene. Missense variants that disrupt the 3'-5' exonuclease (proof-reading) activity of the POLD1 protein are associated with PPAP (polymerase proofreading–associated polyposis) (PMID: 23263490, 23447401). However, loss-of-function variants that result in an absent or severely disrupted POLD1 protein, and missense variants outside the exonuclease domain, are unlikely to be associated with PPAP. This variant is present in population databases (no rsID available, gnomAD 0.0009%). This variant has not been reported in the literature in individuals affected with POLD1-related conditions. ClinVar contains an entry for this variant (Variation ID: 951042). In summary, the available evidence is currently insufficient to determine the role of this variant in disease. Therefore, it has been classified as a Variant of Uncertain Significance.

Literature cited by the submitters: PubMed 23263490; PubMed 23447401.